The following is an entry in ClinVar:

ClinVar aggregate classification (germline): Benign. Review status: criteria provided, multiple submitters, no conflicts (2 of 4 stars). 2 submissions from 2 submitters: Benign (2). Last evaluated 2018-06-18.

Allele frequency attached by ClinVar (database versions not stated): 1000 Genomes Project 30x 0.00999; 1000 Genomes Project 0.01098; ESP Exome Variant Server 0.02232; TOPMed 0.02285; ExAC 0.02538; gnomAD 0.02632 and 0.02766; gnomAD exomes 0.03358.
gnomAD v4.1: 48,108 of 1,474,564 alleles (3.3%); highest among the groups gnomAD compares: Non-Finnish European, 3.7%; 880 homozygotes.

Submissions (2):

GeneDx
Classification: Benign. Last evaluated: 2018-06-18. Review status: criteria provided, single submitter. Criteria: GeneDx Variant Classification (06012015). Collection method: clinical testing. Allele origin: germline. Affected: yes.
Comment: This variant is considered likely benign or benign based on one or more of the following criteria: it is a conservative change, it occurs at a poorly conserved position in the protein, it is predicted to be benign by multiple in silico algorithms, and/or has population frequency not consistent with disease.

Breakthrough Genomics
Classification: Benign. Review status: criteria provided, single submitter. Criteria: ACMG Guidelines, 2015. Collection method: not provided. Allele origin: germline. Inheritance: Autosomal dominant inheritance. Affected: yes.

NM_001958.5(EEF1A2):c.622-34C>T

Gene: EEF1A2 (eukaryotic translation elongation factor 1 alpha 2; minus strand). Cytogenetic location: 20q13.33.
Variant type: single nucleotide variant.
Coding change: c.622-34C>T on transcript NM_001958.5 (MANE Select); 34 bases into the intron before coding-DNA position 622, C replaced by T.
Molecular consequence: intron variant.
Genome position (GRCh38, 1-based): chr20:63,493,321, G>A on the plus strand (C>T on the coding strand, the complement: EEF1A2 is on the minus strand). VCF-style: chr20-63493321-G-A. GRCh37 (hg19) VCF-style: chr20-62124674-G-A.
Identifiers: ClinVar variation 677316 (VCV000677316.2), dbSNP rs76476893, ClinGen allele CA9959053.